The following is an entry in ClinVar:

NM_004211.5(SLC6A5):c.2186T>C (p.Ile729Thr)

Gene: SLC6A5 (solute carrier family 6 member 5; plus strand). Cytogenetic location: 11p15.1.
Variant type: single nucleotide variant.
Coding change: c.2186T>C on transcript NM_004211.5 (MANE Select); coding-DNA position 2186, T replaced by C.
Protein change: p.Ile729Thr; replaces isoleucine 729 with threonine.
Molecular consequence: missense variant.
Genome position (GRCh38, 1-based): chr11:20,652,404, T>C. VCF-style: chr11-20652404-T-C. GRCh37 (hg19) VCF-style: chr11-20673950-T-C.
Other names: c.1484T>C, p.Ile495Thr (NM_001318369.2); short protein forms I729T, I495T.
Identifiers: ClinVar variation 304036 (VCV000304036.12), dbSNP rs142855098, ClinGen allele CA5921719.
Genomic context (GRCh38, chr11:20,652,404, plus strand): 5'-GCTATCCTAACTGGTCCATGGTGCTCGGATGGCTAATGCTCGCCTGTTCCGTCATCTGGA[T>C]CCCAATTATGTTTGTGATAAAAATGCATCTGGCCCCTGGAAGATTTATTGAGGTAATTCT-3'
Protein context (NP_004202.4, residues 719-739): WLMLACSVIW[Ile729Thr]PIMFVIKMHL

ClinVar aggregate classification (germline): Uncertain significance. Review status: criteria provided, multiple submitters, no conflicts (2 of 4 stars). 3 submissions from 3 submitters: Uncertain significance (3). Last evaluated 2023-08-04.

Conditions:
Hyperekplexia 3 (HKPX3). Also called: HYPEREKPLEXIA 3, AUTOSOMAL RECESSIVE; HYPEREKPLEXIA 3, AUTOSOMAL DOMINANT. Identifiers: Orphanet 3197, MedGen C3553288, MONDO:0013827, OMIM 614618.

Allele frequency attached by ClinVar (database versions not stated): gnomAD 0.00002; gnomAD exomes 0.00002 and 0.00007; TOPMed 0.00005; ExAC 0.00007.
gnomAD v4.1: 44 of 1,614,040 alleles (0.0027%); highest among the groups gnomAD compares: Non-Finnish European, 0.00034%; no homozygotes.

Submissions (3):

Labcorp Genetics (formerly Invitae), Labcorp
Classification: Uncertain significance for Hyperekplexia 3. Last evaluated: 2023-08-04. Review status: criteria provided, single submitter. Criteria: Invitae Variant Classification Sherloc (09022015). Collection method: clinical testing. Allele origin: germline.
Comment: This sequence change replaces isoleucine, which is neutral and non-polar, with threonine, which is neutral and polar, at codon 729 of the SLC6A5 protein (p.Ile729Thr). This variant is present in population databases (rs142855098, gnomAD 0.1%). In summary, the available evidence is currently insufficient to determine the role of this variant in disease. Therefore, it has been classified as a Variant of Uncertain Significance. Advanced modeling of protein sequence and biophysical properties (such as structural, functional, and spatial information, amino acid conservation, physicochemical variation, residue mobility, and thermodynamic stability) performed at Invitae indicates that this missense variant is expected to disrupt SLC6A5 protein function. ClinVar contains an entry for this variant (Variation ID: 304036). This variant has not been reported in the literature in individuals affected with SLC6A5-related conditions.

Department of Pathology and Laboratory Medicine, Sinai Health System
Classification: Uncertain significance for Hyperekplexia 3. Last evaluated: 2021-07-30. Review status: criteria provided, single submitter. Criteria: ACMG Guidelines, 2015. Collection method: research. Allele origin: germline.

Baylor Genetics
Classification: Uncertain significance for Hyperekplexia 3. Last evaluated: 2018-07-16. Review status: criteria provided, single submitter. Criteria: ACMG Guidelines, 2015. Collection method: clinical testing. Allele origin: paternal. Affected: yes.
Comment: This variant was determined to be of uncertain significance according to ACMG Guidelines, 2015 [PMID:25741868].